The following is an entry in ClinVar:

ClinVar aggregate classification (germline): Uncertain significance (1 of 4 stars; one submission).

Conditions:
Inborn genetic diseases. Identifiers: MedGen C0950123, MeSH D030342.

Allele frequency attached by ClinVar (database versions not stated): TOPMed below 0.00001; gnomAD exomes 0.00002.
gnomAD v4.1: 26 of 1,614,074 alleles (0.0016%); highest among the groups gnomAD compares: Non-Finnish European, 0.0018%; no homozygotes.

Submission:

Ambry Genetics
Classification: Uncertain significance for Inborn genetic diseases. Last evaluated: 2023-02-14. Review status: criteria provided, single submitter. Criteria: Ambry Variant Classification Scheme 2023. Collection method: clinical testing. Allele origin: germline.
Comment: The p.M372I variant (also known as c.1116G>T), located in coding exon 9 of the SLC17A5 gene, results from a G to T substitution at nucleotide position 1116. The methionine at codon 372 is replaced by isoleucine, an amino acid with highly similar properties. This amino acid position is conserved. In addition, the in silico prediction for this alteration is inconclusive. Since supporting evidence is limited at this time, the clinical significance of this alteration remains unclear.

NM_012434.5(SLC17A5):c.1116G>T (p.Met372Ile)

Gene: SLC17A5 (solute carrier family 17 member 5; minus strand). Cytogenetic location: 6q13.
Variant type: single nucleotide variant.
Coding change: c.1116G>T on transcript NM_012434.5 (MANE Select); coding-DNA position 1116, G replaced by T.
Protein change: p.Met372Ile; replaces methionine 372 with isoleucine.
Molecular consequence: missense variant.
Genome position (GRCh38, 1-based): chr6:73,610,543, C>A on the plus strand (G>T on the coding strand, the complement: SLC17A5 is on the minus strand). VCF-style: chr6-73610543-C-A. GRCh37 (hg19) VCF-style: chr6-74320266-C-A.
Other names: c.885G>T, p.Met295Ile (NM_001382629.1); c.1116G>T, p.Met372Ile (NM_001382630.1, NM_001382633.1); c.1137G>T, p.Met379Ile (NM_001382631.1); c.1029G>T, p.Met343Ile (NM_001382632.1); c.957G>T, p.Met319Ile (NM_001382634.1); c.1113G>T, p.Met371Ile (NM_001382635.1); c.798G>T, p.Met266Ile (NM_001382636.1); short protein forms M371I, M372I, M379I, M266I, M343I, M295I, M319I.
Identifiers: ClinVar variation 2448440 (VCV002448440.2), dbSNP rs1482006763, ClinGen allele CA364721196.
Genomic context (GRCh38, chr6:73,610,543, plus strand): 5'-GGCCAAAGAATAATCACAGCCAATGAAGCCAGCAGCTACCAGGAATACTGCAGGTCCAAT[C>A]ATTCCTGGAGTTAAAAAGTTATAAAAGGGAAAAAACACCCAGCATTAATATTTGCTCTAC-3'
Protein context (NP_036566.1, residues 362-382): CVRRIFSLIG[Met372Ile]IGPAVFLVAA